The following is an entry in ClinVar:

NM_002474.3(MYH11):c.2960T>C (p.Ile987Thr)

Gene: MYH11 (myosin heavy chain 11; minus strand). Cytogenetic location: 16p13.11.
Variant type: single nucleotide variant.
Coding change: c.2960T>C on transcript NM_002474.3 (MANE Select); coding-DNA position 2960, T replaced by C.
Protein change: p.Ile987Thr; replaces isoleucine 987 with threonine.
Molecular consequence: missense variant.
Genome position (GRCh38, 1-based): chr16:15,740,088, A>G on the plus strand (T>C on the coding strand, the complement: MYH11 is on the minus strand). VCF-style: chr16-15740088-A-G. GRCh37 (hg19) VCF-style: chr16-15833945-A-G.
Other names: c.2981T>C, p.Ile994Thr (NM_001040113.2, NM_001040114.2); c.2960T>C, p.Ile987Thr (NM_022844.3); short protein forms I987T, I994T.
Identifiers: ClinVar variation 920875 (VCV000920875.10), dbSNP rs770004584, ClinGen allele CA7922139.

ClinVar aggregate classification (germline): Uncertain significance. Review status: criteria provided, multiple submitters, no conflicts (2 of 4 stars). 3 submissions from 3 submitters: Uncertain significance (3). Last evaluated 2024-04-16.

Conditions:
Familial thoracic aortic aneurysm and aortic dissection (TAAD). Also called: Thoracic aortic aneurysms and dissections. Identifiers: Orphanet 91387, MedGen C4707243, MONDO:0019625.
Aortic aneurysm, familial thoracic 4 (AAT4). Also called: AORTIC ANEURYSM/AORTIC DISSECTION AND PATENT DUCTUS ARTERIOSUS. Identifiers: MedGen C1851504, MONDO:0007568, OMIM 132900.

Allele frequency attached by ClinVar (database versions not stated): TOPMed below 0.00001; ExAC 0.00002; gnomAD exomes 0.00003.
gnomAD v4.1: 16 of 1,614,144 alleles (0.00099%); highest among the groups gnomAD compares: Non-Finnish European, 0.0014%; no homozygotes.

Submissions (3):

All of Us Research Program, National Institutes of Health
Classification: Uncertain significance for Familial thoracic aortic aneurysm and aortic dissection. Last evaluated: 2024-04-16. Review status: criteria provided, single submitter. Criteria: ACMG Guidelines, 2015. Collection method: clinical testing. Allele origin: germline. Inheritance: Autosomal dominant inheritance. Observed: 4 variant alleles, 4 heterozygotes.
Comment: This missense variant replaces isoleucine with threonine at codon 994 of the MYH11 protein. Computational prediction tools and conservation analyses are inconclusive regarding the impact of this variant on the protein function. Computational splicing tools suggest that this variant may not impact RNA splicing. To our knowledge, functional assays have not been performed for this variant nor has this variant been reported in individuals affected with cardiovascular disorders in the literature. This variant has been identified in 8/251490 chromosomes in the general population by the Genome Aggregation Database (gnomAD). Available evidence is insufficient to determine the role of this variant in disease conclusively. Therefore, this variant is classified as a Variant of Uncertain Significance.

This study involves interpretation of variants in research participants for the purpose of population health screening. Participant phenotype was not available at the time of variant classification. Additional details can be found in publication PMID: 35346344, PMCID: PMC8962531

Color Diagnostics, LLC DBA Color Health
Classification: Uncertain significance for Familial thoracic aortic aneurysm and aortic dissection. Last evaluated: 2024-03-06. Review status: criteria provided, single submitter. Criteria: ACMG Guidelines, 2015. Collection method: clinical testing. Allele origin: germline.
Comment: This missense variant replaces isoleucine with threonine at codon 994 of the MYH11 protein. Computational prediction is inconclusive regarding the impact of this variant on protein structure and function (internally defined REVEL score threshold 0.5 < inconclusive < 0.7, PMID: 27666373). To our knowledge, functional studies have not been reported for this variant. This variant has not been reported in individuals affected with MYH11-related disorders in the literature. This variant has been identified in 8/251490 chromosomes in the general population by the Genome Aggregation Database (gnomAD). The available evidence is insufficient to determine the role of this variant in disease conclusively. Therefore, this variant is classified as a Variant of Uncertain Significance.

Labcorp Genetics (formerly Invitae), Labcorp
Classification: Uncertain significance for Aortic aneurysm, familial thoracic 4. Last evaluated: 2023-09-20. Review status: criteria provided, single submitter. Criteria: Invitae Variant Classification Sherloc (09022015). Collection method: clinical testing. Allele origin: germline.
Comment: This sequence change replaces isoleucine, which is neutral and non-polar, with threonine, which is neutral and polar, at codon 994 of the MYH11 protein (p.Ile994Thr). This variant is present in population databases (rs770004584, gnomAD 0.007%). This variant has not been reported in the literature in individuals affected with MYH11-related conditions. ClinVar contains an entry for this variant (Variation ID: 920875). Advanced modeling of protein sequence and biophysical properties (such as structural, functional, and spatial information, amino acid conservation, physicochemical variation, residue mobility, and thermodynamic stability) performed at Invitae indicates that this missense variant is not expected to disrupt MYH11 protein function. In summary, the available evidence is currently insufficient to determine the role of this variant in disease. Therefore, it has been classified as a Variant of Uncertain Significance.